The following is an entry in ClinVar:

NM_000193.4(SHH):c.*2871T>G

Gene: SHH (sonic hedgehog signaling molecule; minus strand). Cytogenetic location: 7q36.3.
Variant type: single nucleotide variant.
Coding change: c.*2871T>G on transcript NM_000193.4 (MANE Select); 2871 bases downstream of the stop codon, T replaced by G.
Molecular consequence: 3 prime UTR variant. On other transcripts: nonsense (1), non-coding transcript variant (2).
Genome position (GRCh38, 1-based): chr7:155,800,029, A>C on the plus strand (T>G on the coding strand, the complement: SHH is on the minus strand). VCF-style: chr7-155800029-A-C. GRCh37 (hg19) VCF-style: chr7-155592723-A-C.
Other names: c.518T>G, p.Leu173Ter (NM_001310462.2); short protein forms L173*.
Identifiers: ClinVar variation 3355130 (VCV003355130.2).
Genomic context (GRCh38, chr7:155,800,029, plus strand): 5'-CAGACACTGAAGAGAGTCTCTGTAATTTCTTTAATTATTCAAACAATAGAGCACAAAGAT[A>C]ACAGTTTCAAGTACATTGTGATACACGTTTTGACAGGAATAGATATGCATTTAGTCATGA-3'

ClinVar aggregate classification (germline): Likely benign. Review status: criteria provided, single submitter (1 of 4 stars). 2 submissions from 2 submitters: Likely benign (1). 1 of the submissions does not count toward it. Last evaluated 2024-10-04.

Conditions:
SHH-related disorder. Also called: SHH-related condition; SHH-related disorders.

gnomAD v4.1: 35 of 471,298 alleles (0.0074%); highest among the groups gnomAD compares: Admixed American, 0.082%; no homozygotes.

Submissions (2):

Athena Diagnostics
Classification: Likely benign. Last evaluated: 2024-10-04. Review status: criteria provided, single submitter. Criteria: Athena Diagnostics Criteria. Collection method: clinical testing. Allele origin: unknown.

PreventionGenetics, part of Exact Sciences
Classification: Uncertain significance for SHH-related condition. Last evaluated: 2024-09-27. Review status: no assertion criteria provided. Collection method: clinical testing. Allele origin: germline. Not counted in ClinVar's aggregate classification.
Comment: The SHH c.518T>G variant is predicted to result in premature protein termination (p.Leu173*). Of note, this variant is also referred to as c.*2871T>G (post-coding) with the more commonly reported isoform, NM_000193. To our knowledge, this variant has not been reported in the literature. This variant is reported in 0.13% of alleles in individuals of Latino descent in gnomAD. At this time, the clinical significance of this variant is uncertain due to the absence of conclusive functional and genetic evidence.